The following is an entry in ClinVar:

NM_000204.5(CFI):c.719C>G (p.Ala240Gly)

Gene: CFI (complement factor I; minus strand). Cytogenetic location: 4q25.
Variant type: single nucleotide variant.
Coding change: c.719C>G on transcript NM_000204.5 (MANE Select); coding-DNA position 719, C replaced by G.
Protein change: p.Ala240Gly; replaces alanine 240 with glycine.
Molecular consequence: missense variant. On other transcripts: non-coding transcript variant (3).
Genome position (GRCh38, 1-based): chr4:109,760,576, G>C on the plus strand (C>G on the coding strand, the complement: CFI is on the minus strand). VCF-style: chr4-109760576-G-C. GRCh37 (hg19) VCF-style: chr4-110681732-G-C.
Other names: c.719C>G, p.Ala240Gly (NM_001318057.2, NM_001331035.2, NM_001375278.1 and 5 more transcripts); c.110C>G, p.Ala37Gly (NM_001375284.1); short protein forms A240G, A37G.
Identifiers: ClinVar variation 903648 (VCV000903648.22), dbSNP rs146444258, ClinGen allele CA3042203.

ClinVar aggregate classification (germline): Conflicting classifications of pathogenicity. Review status: criteria provided, conflicting classifications (1 of 4 stars). 7 submissions from 7 submitters: Likely pathogenic (1); Uncertain significance (4); Benign (1); Likely benign (1). Last evaluated 2026-08-01.

Conditions:
Age related macular degeneration 13. Identifiers: MedGen C3809523, MONDO:0014189, OMIM 615439.
Atypical hemolytic-uremic syndrome with I factor anomaly. Also called: HEMOLYTIC UREMIC SYNDROME, ATYPICAL, SUSCEPTIBILITY TO, 3; AHUS, SUSCEPTIBILITY TO, 3. Identifiers: Orphanet 2134, MedGen C2752039, MONDO:0013041, OMIM 612923.
Factor I deficiency (CFID). Also called: Complement factor I deficiency. Identifiers: Orphanet 200418, MedGen C3463916, MONDO:0012594, OMIM 610984.
CFI-related disorder. Also called: CFI-related condition; CFI-related disorders. Identifiers: MedGen CN239325.

Allele frequency attached by ClinVar (database versions not stated): gnomAD exomes 0.00015 and 0.00027; TOPMed 0.00020; gnomAD 0.00021 and 0.00024; ExAC 0.00027; ESP Exome Variant Server 0.00038.
gnomAD v4.1: 272 of 1,611,298 alleles (0.017%); highest among the groups gnomAD compares: Non-Finnish European, 0.0063%; 1 homozygote.

Submissions (7):

CeGaT Center for Human Genetics Tuebingen
Classification: Uncertain significance. Last evaluated: 2026-08-01. Review status: criteria provided, single submitter. Criteria: CeGaT Center For Human Genetics Tuebingen Variant Classification Criteria Version 2. Collection method: clinical testing. Allele origin: germline. Affected: yes. Observed: 1 variant allele.
Comment: CFI: PM1, PS3:Supporting

Genomenon, Inc
Classification: Likely pathogenic for CFI-related disorder. Last evaluated: 2025-09-26. Review status: criteria provided, single submitter. Criteria: Genomenon Sequence Variant Interpretation Standards - Updated. Collection method: curation. Allele origin: germline. Affected: yes.
Comment: CFI p.Ala240Gly (c.719C>G) is a missense variant that changes the amino acid at residue 240 from Alanine to Glycine. This variant has been observed in at least one proband affected with a CFI-related disorder (PMID:35619721;17018561;22456601;29370420;28596415). At least one functional study has demonstrated a substantial alteration in protein function relative to the wild-type (PMID:37363824;19877009;32510551). The variant is located in a mutational hotspot. In silico models agree that this variant is possibly or probably damaging. In conclusion, we classify CFI p.Ala240Gly (c.719C>G) as a likely pathogenic variant.

Labcorp Genetics (formerly Invitae), Labcorp
Classification: Likely benign. Last evaluated: 2025-07-30. Review status: criteria provided, single submitter. Criteria: Invitae Variant Classification Sherloc (09022015). Collection method: clinical testing. Allele origin: germline.

Mayo Clinic Laboratories, Mayo Clinic
Classification: Uncertain significance. Last evaluated: 2025-07-22. Review status: criteria provided, single submitter. Criteria: ACMG Guidelines, 2015. Collection method: clinical testing. Allele origin: germline. Observed: 2 variant alleles.
Comment: PP3, PS3_supporting

Blueprint Genetics
Classification: Uncertain significance. Last evaluated: 2024-09-09. Review status: criteria provided, single submitter. Criteria: ACMG Guidelines, 2015. Collection method: clinical testing. Allele origin: germline.

Fulgent Genetics
Classification: Uncertain significance for Factor I deficiency; Atypical hemolytic-uremic syndrome with I factor anomaly; Age related macular degeneration 13. Last evaluated: 2024-06-03. Review status: criteria provided, single submitter. Criteria: ACMG Guidelines, 2015. Collection method: clinical testing. Allele origin: germline.

Illumina Laboratory Services, Illumina
Classification: Benign for Atypical hemolytic-uremic syndrome with I factor anomaly. Last evaluated: 2017-04-27. Review status: criteria provided, single submitter. Criteria: ICSL Variant Classification Criteria 13 December 2019. Collection method: clinical testing. Allele origin: germline.
Comment: This variant was observed as part of a predisposition screen in an ostensibly healthy population. A literature search was performed for the gene, cDNA change, and amino acid change (where applicable). No publications were found based on this search. Allele frequency data from public databases was too high to be consistent with this variant causing disease. Therefore, this variant is classified as benign.

Literature cited by the submitters: PubMed 35619721 (cited by Genomenon, Inc); 17018561 (cited by Genomenon, Inc); 22456601 (cited by Genomenon, Inc); 29370420 (cited by Genomenon, Inc); 28596415 (cited by Genomenon, Inc); 37363824 (cited by Genomenon, Inc); 19877009 (cited by Genomenon, Inc); 32510551 (cited by Genomenon, Inc); PubMed 16621965 (cited by Mayo Clinic Laboratories, Mayo Clinic); PubMed 17018561 (cited by Mayo Clinic Laboratories, Mayo Clinic); PubMed 19877009 (cited by Mayo Clinic Laboratories, Mayo Clinic); PubMed 24036952 (cited by Mayo Clinic Laboratories, Mayo Clinic); PubMed 25788521 (cited by Mayo Clinic Laboratories, Mayo Clinic); PubMed 29888403 (cited by Mayo Clinic Laboratories, Mayo Clinic); PubMed 32510551 (cited by Mayo Clinic Laboratories, Mayo Clinic); PubMed 34426522 (cited by Mayo Clinic Laboratories, Mayo Clinic); PubMed 38096369 (cited by Mayo Clinic Laboratories, Mayo Clinic); PubMed 38852887 (cited by Mayo Clinic Laboratories, Mayo Clinic); PubMed 39238643 (cited by Mayo Clinic Laboratories, Mayo Clinic).